The following is an entry in ClinVar:

ClinVar aggregate classification (germline): Likely pathogenic. Review status: criteria provided, multiple submitters, no conflicts (2 of 4 stars). 2 submissions from 2 submitters: Likely pathogenic (2). Last evaluated 2025-09-08.

Conditions:
Lynch syndrome 4 (LYNCH4). Also called: Colorectal cancer, hereditary nonpolyposis, type 4; Hereditary non-polyposis colorectal cancer, type 4. Identifiers: Orphanet 144, MedGen C1838333, MONDO:0013699, OMIM 614337. Disease mechanism: loss of function.
Hereditary cancer-predisposing syndrome. Also called: Hereditary neoplastic syndrome; Tumor predisposition; Hereditary Cancer Syndrome; Neoplastic Syndromes, Hereditary. Identifiers: Orphanet 140162, MedGen C0027672, MeSH D009386, MONDO:0015356.

Submissions (2):

Ambry Genetics
Classification: Likely pathogenic for Hereditary cancer-predisposing syndrome. Last evaluated: 2025-09-08. Review status: criteria provided, single submitter. Criteria: Ambry Variant Classification Scheme 2023. Collection method: clinical testing. Allele origin: germline.
Comment: The c.989-1G>C intronic variant results from a G to C substitution one nucleotide upstream from coding exon 10 of the PMS2 gene. Alterations that disrupt the canonical splice site are expected to result in aberrant splicing. In silico splice site analysis predicts that this alteration will weaken the native splice acceptor site and will result in the creation or strengthening of a novel splice acceptor site. A resulting transcript is predicted to be in-frame and is not expected to trigger nonsense-mediated mRNAdecay; although, direct evidence is unavailable. However, the region predicted to be impacted is critical for protein function (Ambry internal data). This nucleotide position is highly conserved in available vertebrate species. This variant is considered to be rare based on population cohorts in the Genome Aggregation Database (gnomAD). Based on the majority of available evidence to date, this variant is likely to be pathogenic.

Myriad Genetics, Inc.
Classification: Likely pathogenic for Lynch syndrome 4. Last evaluated: 2023-05-10. Review status: criteria provided, single submitter. Criteria: Myriad Autosomal Dominant, Autosomal Recessive and X-Linked Classification Criteria (2023). Collection method: clinical testing. Allele origin: unknown.
Comment: This variant is considered likely pathogenic. This variant occurs within a consensus splice junction and is predicted to result in abnormal mRNA splicing of either an out-of-frame exon or an in-frame exon necessary for protein stability and/or normal function.

NM_000535.7(PMS2):c.989-1G>C

Gene: PMS2 (PMS1 homolog 2, mismatch repair system component; minus strand). Cytogenetic location: 7p22.1.
Variant type: single nucleotide variant.
Coding change: c.989-1G>C on transcript NM_000535.7 (MANE Select); the canonical splice acceptor site of the intron before coding-DNA position 989, G replaced by C.
Molecular consequence: splice acceptor variant. On other transcripts: intron variant (10).
Genome position (GRCh38, 1-based): chr7:5,989,956, C>G on the plus strand (G>C on the coding strand, the complement: PMS2 is on the minus strand). VCF-style: chr7-5989956-C-G. GRCh37 (hg19) VCF-style: chr7-6029587-C-G.
Other names: c.989-1G>C (NM_000535.5, NM_001406872.1, NM_001406871.1 and 1 more transcripts); c.671-1G>C (NM_001322008.2, NM_001406883.1, NM_001406903.1 and 2 more transcripts); c.680-1G>C (NM_001406881.1, NM_001406879.1, NM_001322015.2 and 5 more transcripts); c.584-1G>C (NM_001406895.1, NM_001322004.2, NM_001406889.1 and 16 more transcripts); c.218-1G>C (NM_001406911.1); c.583+2017G>C (NM_001322010.2, NM_001406906.1, NM_001406907.1); c.670+2017G>C (NM_001406902.1, NM_001406901.1); c.476-1G>C (NM_001406904.1, NM_001406905.1); and 13 more.
Identifiers: ClinVar variation 2584221 (VCV002584221.3), dbSNP rs587780064, ClinGen allele CA366743045.